The following is an entry in ClinVar:

ClinVar aggregate classification (germline): Pathogenic (1 of 4 stars; one submission).

Conditions:
Maple syrup urine disease type 2 (MSUD2). Also called: Maple syrup urine disease, type II. Identifiers: MedGen C1855371, MONDO:0023693, OMIM 620699.

Submission:

Myriad Genetics, Inc.
Classification: Pathogenic for Maple syrup urine disease type 2. Last evaluated: 2024-11-06. Review status: criteria provided, single submitter. Criteria: Myriad Autosomal Dominant, Autosomal Recessive and X-Linked Classification Criteria (2023). Collection method: clinical testing. Allele origin: unknown.
Comment: NM_001918.3(DBT):c.122_123insC(Y42Lfs*7) is expected to be pathogenic in the context of maple syrup urine disease type II. This variant is predicted to lead to an abnormal or absent protein product due to the creation of a premature termination codon in DBT, a gene where loss-of-function variants are known to be pathogenic. Please note: this variant was assessed in the context of healthy population screening.

NM_001918.5(DBT):c.122_123insC (p.Tyr42fs)

Gene: DBT (dihydrolipoamide branched chain transacylase E2; minus strand). Cytogenetic location: 1p21.2.
Variant type: Insertion.
Coding change: c.122_123insC on transcript NM_001918.5 (MANE Select); coding-DNA positions 122 to 123, C inserted.
Protein change: p.Tyr42fs; shifts the reading frame from tyrosine 42.
Molecular consequence: frameshift variant. On other transcripts: 5 prime UTR variant (2), non-coding transcript variant (4).
Genome position: GRCh38 VCF-style: chr1-100240813-A-AG. GRCh37 (hg19) VCF-style: chr1-100706369-A-AG.
Other names: c.-422_-421insC (NM_001399969.1, NM_001399972.1); short protein forms Y42fs.
Identifiers: ClinVar variation 5013711 (VCV005013711.1).
Genomic context (GRCh38, chr1:100,240,813, plus strand): 5'-ATACTTACCAGCAGTTGTTTTCAGGAAGTGATGTGGATGACTATACTTGAATGAAGGATA[A>AG]CCAAAGAAACACACATAATTTGGCTTCAAAACATGAACATTACCACATGTTTGAAAATAG-3'